The following is an entry in ClinVar:

NM_001105206.3(LAMA4):c.3572A>C (p.His1191Pro)

Gene: LAMA4 (laminin subunit alpha 4; minus strand). Cytogenetic location: 6q21.
Variant type: single nucleotide variant.
Coding change: c.3572A>C on transcript NM_001105206.3 (MANE Select); coding-DNA position 3572, A replaced by C.
Protein change: p.His1191Pro; replaces histidine 1191 with proline.
Molecular consequence: missense variant.
Genome position (GRCh38, 1-based): chr6:112,133,473, T>G on the plus strand (A>C on the coding strand, the complement: LAMA4 is on the minus strand). VCF-style: chr6-112133473-T-G. GRCh37 (hg19) VCF-style: chr6-112454675-T-G.
Other names: c.3551A>C, p.His1184Pro (NM_001105207.3, NM_002290.5); short protein forms H1184P, H1191P.
Identifiers: ClinVar variation 2886270 (VCV002886270.4), dbSNP rs2547005435, ClinGen allele CA365375757.

ClinVar aggregate classification (germline): Uncertain significance. Review status: criteria provided, multiple submitters, no conflicts (2 of 4 stars). 2 submissions from 2 submitters: Uncertain significance (2). Last evaluated 2024-04-28.

Conditions:
Cardiovascular phenotype. Identifiers: MedGen CN230736.
Dilated cardiomyopathy 1JJ (CMD1JJ). Identifiers: Orphanet 154, MedGen C3808935, MONDO:0014095, OMIM 615235.

Submissions (2):

Ambry Genetics
Classification: Uncertain significance for Cardiovascular phenotype. Last evaluated: 2024-04-28. Review status: criteria provided, single submitter. Criteria: Ambry Variant Classification Scheme 2023. Collection method: clinical testing. Allele origin: germline.
Comment: The p.H1184P variant (also known as c.3551A>C), located in coding exon 26 of the LAMA4 gene, results from an A to C substitution at nucleotide position 3551. The histidine at codon 1184 is replaced by proline, an amino acid with similar properties. This amino acid position is conserved. In addition, this alteration is predicted to be deleterious by in silico analysis. Based on the available evidence, the clinical significance of this variant remains unclear.

Labcorp Genetics (formerly Invitae), Labcorp
Classification: Uncertain significance for Dilated cardiomyopathy 1JJ. Last evaluated: 2023-11-16. Review status: criteria provided, single submitter. Criteria: Invitae Variant Classification Sherloc (09022015). Collection method: clinical testing. Allele origin: germline.
Comment: This sequence change replaces histidine, which is basic and polar, with proline, which is neutral and non-polar, at codon 1184 of the LAMA4 protein (p.His1184Pro). This variant is not present in population databases (gnomAD no frequency). This variant has not been reported in the literature in individuals affected with LAMA4-related conditions. An algorithm developed to predict the effect of missense changes on protein structure and function (PolyPhen-2) suggests that this variant is likely to be disruptive. In summary, the available evidence is currently insufficient to determine the role of this variant in disease. Therefore, it has been classified as a Variant of Uncertain Significance.